The following is an entry in ClinVar:

ClinVar aggregate classification (germline): Uncertain significance (1 of 4 stars; one submission).

Submission:

Dasa
Classification: Uncertain significance. Last evaluated: 2026-07-11. Review status: criteria provided, single submitter. Criteria: DASA Assertion Criteria. Collection method: clinical testing. Allele origin: germline.
Comment: NM_182961.4(SYNE1):c.6199T>C (p.Trp2067Arg) is a missense variant that results in the substitution of tryptophan with arginine. This variant is absent from population databases. Computational prediction algorithms are consistent with a deleterious effect. The currently available literature and clinical evidence are not sufficient to establish a definitive association between this variant and the reported condition. Therefore, this variant is classified as a variant of uncertain significance.

NM_182961.4(SYNE1):c.6199T>C (p.Trp2067Arg)

Gene: SYNE1 (spectrin repeat containing nuclear envelope protein 1; minus strand). Cytogenetic location: 6q25.2.
Variant type: single nucleotide variant.
Coding change: c.6199T>C on transcript NM_182961.4 (MANE Select); coding-DNA position 6199, T replaced by C.
Protein change: p.Trp2067Arg; replaces tryptophan 2067 with arginine.
Molecular consequence: missense variant.
Genome position (GRCh38, 1-based): chr6:152,413,383, A>G on the plus strand (T>C on the coding strand, the complement: SYNE1 is on the minus strand). VCF-style: chr6-152413383-A-G. GRCh37 (hg19) VCF-style: chr6-152734518-A-G.
Other names: c.6220T>C, p.Trp2074Arg (NM_033071.5); short protein forms W2067R, W2074R.
Identifiers: ClinVar variation 5020208 (VCV005020208.1).